The following is an entry in ClinVar:

NM_001365999.1(SZT2):c.6781A>C (p.Asn2261His)

Gene: SZT2 (SZT2 subunit of KICSTOR complex; plus strand). Cytogenetic location: 1p34.2.
Variant type: single nucleotide variant.
Coding change: c.6781A>C on transcript NM_001365999.1 (MANE Select); coding-DNA position 6781, A replaced by C.
Protein change: p.Asn2261His; replaces asparagine 2261 with histidine.
Molecular consequence: missense variant.
Genome position (GRCh38, 1-based): chr1:43,439,082, A>C. VCF-style: chr1-43439082-A-C. GRCh37 (hg19) VCF-style: chr1-43904753-A-C.
Other names: c.6610A>C, p.Asn2204His (NM_015284.4); short protein forms N2204H, N2261H.
Identifiers: ClinVar variation 656362 (VCV000656362.8), dbSNP rs1373812596, ClinGen allele CA340032149.
Genomic context (GRCh38, chr1:43,439,082, plus strand): 5'-CTACGGCAGAACTTGCTCATCTTCCTGCACTCTCCCAAGTACACAGATAGCAACAGCCGG[A>C]ACCACTTCCAAGTGAGATGGCACTCATCTCTCTCCACACTCATGTGCACCCCTGCCCCCT-3'
Protein context (NP_001352928.1, residues 2251-2271): SPKYTDSNSR[Asn2261His]HFQHPLPPQG

ClinVar aggregate classification (germline): Uncertain significance (1 of 4 stars; one submission).

Allele frequency attached by ClinVar (database versions not stated): gnomAD exomes below 0.00001; TOPMed below 0.00001; gnomAD 0.00001.
gnomAD v4.1: 2 of 1,614,072 alleles (0.00012%); highest among the groups gnomAD compares: Admixed American, 0.0033%; no homozygotes.

Submission:

Labcorp Genetics (formerly Invitae), Labcorp
Classification: Uncertain significance. Last evaluated: 2021-02-10. Review status: criteria provided, single submitter. Criteria: Invitae Variant Classification Sherloc (09022015). Collection method: clinical testing. Allele origin: germline.
Comment: Algorithms developed to predict the effect of missense changes on protein structure and function output the following: SIFT: "Tolerated"; PolyPhen-2: "Benign"; Align-GVGD: "Class C0". The histidine amino acid residue is found in multiple mammalian species, suggesting that this missense change does not adversely affect protein function. These predictions have not been confirmed by published functional studies and their clinical significance is uncertain. In summary, the available evidence is currently insufficient to determine the role of this variant in disease. Therefore, it has been classified as a Variant of Uncertain Significance. This variant has not been reported in the literature in individuals with SZT2-related disease. This variant is not present in population databases (ExAC no frequency). This sequence change replaces asparagine with histidine at codon 2204 of the SZT2 protein (p.Asn2204His). The asparagine residue is highly conserved and there is a small physicochemical difference between asparagine and histidine.